The following is an entry in ClinVar:

NM_177438.3(DICER1):c.3171A>G (p.Ile1057Met)

Gene: DICER1 (dicer 1, ribonuclease III; minus strand). Cytogenetic location: 14q32.13.
Variant type: single nucleotide variant.
Coding change: c.3171A>G on transcript NM_177438.3 (MANE Select); coding-DNA position 3171, A replaced by G.
Protein change: p.Ile1057Met; replaces isoleucine 1057 with methionine.
Molecular consequence: missense variant. On other transcripts: non-coding transcript variant (6).
Genome position (GRCh38, 1-based): chr14:95,105,169, T>C on the plus strand (A>G on the coding strand, the complement: DICER1 is on the minus strand). VCF-style: chr14-95105169-T-C. GRCh37 (hg19) VCF-style: chr14-95571506-T-C.
Other names: c.3171A>G, p.Ile1057Met (NM_001195573.1, NM_001271282.3, NM_001291628.2 and 13 more transcripts); c.2889A>G, p.Ile963Met (NM_001395686.1); c.2766A>G, p.Ile922Met (NM_001395687.1, NM_001395688.1, NM_001395689.1 and 2 more transcripts); c.2604A>G, p.Ile868Met (NM_001395691.1); c.1488A>G, p.Ile496Met (NM_001395697.1); short protein forms I868M, I1057M, I922M, I963M, I496M.
Identifiers: ClinVar variation 2566232 (VCV002566232.2), dbSNP rs976698124, ClinGen allele CA265907073.

ClinVar aggregate classification (germline): Uncertain significance (1 of 4 stars; one submission).

Conditions:
Hereditary cancer-predisposing syndrome. Also called: Neoplastic Syndromes, Hereditary; Hereditary Cancer Syndrome; Hereditary neoplastic syndrome; Tumor predisposition. Identifiers: Orphanet 140162, MedGen C0027672, MeSH D009386, MONDO:0015356.

Allele frequency attached by ClinVar (database versions not stated): TOPMed below 0.00001.

Submission:

Ambry Genetics
Classification: Uncertain significance for Hereditary cancer-predisposing syndrome. Last evaluated: 2023-06-11. Review status: criteria provided, single submitter. Criteria: Ambry Variant Classification Scheme 2023. Collection method: clinical testing. Allele origin: germline.
Comment: The p.I1057M variant (also known as c.3171A>G), located in coding exon 19 of the DICER1 gene, results from an A to G substitution at nucleotide position 3171. The isoleucine at codon 1057 is replaced by methionine, an amino acid with highly similar properties. This amino acid position is conserved. In addition, this alteration is predicted to be tolerated by in silico analysis. Since supporting evidence is limited at this time, the clinical significance of this alteration remains unclear.